The following is an entry in ClinVar:

ClinVar aggregate classification (germline): Uncertain significance (1 of 4 stars; one submission).

Allele frequency attached by ClinVar (database versions not stated): gnomAD 0.00008 and 0.00009; TOPMed 0.00010; ESP Exome Variant Server 0.00015.
gnomAD v4.1: 156 of 1,613,720 alleles (0.0097%); highest among the groups gnomAD compares: Middle Eastern, 0.016%; 1 homozygote.

Submission:

Labcorp Genetics (formerly Invitae), Labcorp
Classification: Uncertain significance. Last evaluated: 2022-09-13. Review status: criteria provided, single submitter. Criteria: Invitae Variant Classification Sherloc (09022015). Collection method: clinical testing. Allele origin: germline.
Comment: This sequence change replaces arginine, which is basic and polar, with glutamine, which is neutral and polar, at codon 768 of the LIG1 protein (p.Arg768Gln). This variant is present in population databases (rs372444236, gnomAD 0.02%), including at least one homozygous and/or hemizygous individual. This variant has not been reported in the literature in individuals affected with LIG1-related conditions. ClinVar contains an entry for this variant (Variation ID: 1476122). Algorithms developed to predict the effect of missense changes on protein structure and function (SIFT, PolyPhen-2, Align-GVGD) all suggest that this variant is likely to be tolerated. Algorithms developed to predict the effect of sequence changes on RNA splicing suggest that this variant may create or strengthen a splice site. In summary, the available evidence is currently insufficient to determine the role of this variant in disease. Therefore, it has been classified as a Variant of Uncertain Significance.

NM_000234.3(LIG1):c.2303G>A (p.Arg768Gln)

Gene: LIG1 (DNA ligase 1; minus strand). Cytogenetic location: 19q13.33.
Variant type: single nucleotide variant.
Coding change: c.2303G>A on transcript NM_000234.3 (MANE Select); coding-DNA position 2303, G replaced by A.
Protein change: p.Arg768Gln; replaces arginine 768 with glutamine.
Molecular consequence: missense variant. On other transcripts: non-coding transcript variant (6).
Genome position (GRCh38, 1-based): chr19:48,121,252, C>T on the plus strand (G>A on the coding strand, the complement: LIG1 is on the minus strand). VCF-style: chr19-48121252-C-T. GRCh37 (hg19) VCF-style: chr19-48624509-C-T.
Other names: c.2210G>A, p.Arg737Gln (NM_001289063.2); c.2099G>A, p.Arg700Gln (NM_001289064.2); c.2300G>A, p.Arg767Gln (NM_001320970.2); c.2213G>A, p.Arg738Gln (NM_001320971.2); short protein forms R737Q, R738Q, R767Q, R768Q, R700Q.
Identifiers: ClinVar variation 1476122 (VCV001476122.3), dbSNP rs372444236, ClinGen allele CA9546464.